The following is an entry in ClinVar:

ClinVar aggregate classification (germline): Uncertain significance. Review status: criteria provided, multiple submitters, no conflicts (2 of 4 stars). 3 submissions from 3 submitters: Uncertain significance (3). Last evaluated 2024-07-27.

Conditions:
Inborn genetic diseases. Identifiers: MedGen C0950123, MeSH D030342.

Allele frequency attached by ClinVar (database versions not stated): gnomAD exomes 0.00004 and 0.00012; ExAC 0.00015; TOPMed 0.00027; ESP Exome Variant Server 0.00031.
gnomAD v4.1: 102 of 1,613,494 alleles (0.0063%); highest among the groups gnomAD compares: African/African-American, 0.077%; no homozygotes.

Submissions (3):

Ambry Genetics
Classification: Uncertain significance for Inborn genetic diseases. Last evaluated: 2024-07-27. Review status: criteria provided, single submitter. Criteria: Ambry Variant Classification Scheme 2023. Collection method: clinical testing. Allele origin: germline.

Women's Health and Genetics/Laboratory Corporation of America, LabCorp
Classification: Uncertain significance. Last evaluated: 2022-09-29. Review status: criteria provided, single submitter. Criteria: LabCorp Variant Classification Summary - May 2015. Collection method: clinical testing. Allele origin: germline.
Comment: Variant summary: TYROBP c.310G>A (p.Asp104Asn) results in a conservative amino acid change in the encoded protein sequence. Three of four in-silico tools predict a benign effect of the variant on protein function. The variant allele was found at a frequency of 0.00012 in 250398 control chromosomes (gnomAD). To our knowledge, no occurrence of c.310G>A in individuals affected with Polycystic Lipomembranous Osteodysplasia With Sclerosing Leukoencephalopathy 1. One clinical diagnostic laboratory has submitted clinical-significance assessments for this variant to ClinVar after 2014 and classified the variant as uncertain significance. Based on the evidence outlined above, the variant was classified as uncertain significance.

Labcorp Genetics (formerly Invitae), Labcorp
Classification: Uncertain significance. Last evaluated: 2022-08-19. Review status: criteria provided, single submitter. Criteria: Invitae Variant Classification Sherloc (09022015). Collection method: clinical testing. Allele origin: germline.
Comment: This sequence change replaces aspartic acid, which is acidic and polar, with asparagine, which is neutral and polar, at codon 104 of the TYROBP protein (p.Asp104Asn). This variant is present in population databases (rs377005575, gnomAD 0.1%). This variant has not been reported in the literature in individuals affected with TYROBP-related conditions. ClinVar contains an entry for this variant (Variation ID: 1429380). Algorithms developed to predict the effect of missense changes on protein structure and function are either unavailable or do not agree on the potential impact of this missense change (SIFT: "Not Available"; PolyPhen-2: "Benign"; Align-GVGD: "Not Available"). In summary, the available evidence is currently insufficient to determine the role of this variant in disease. Therefore, it has been classified as a Variant of Uncertain Significance.

NM_003332.4(TYROBP):c.310G>A (p.Asp104Asn)

Gene: TYROBP (transmembrane immune signaling adaptor TYROBP; minus strand). Cytogenetic location: 19q13.12.
Variant type: single nucleotide variant.
Coding change: c.310G>A on transcript NM_003332.4 (MANE Select); coding-DNA position 310, G replaced by A.
Protein change: p.Asp104Asn; replaces aspartic acid 104 with asparagine.
Molecular consequence: missense variant. On other transcripts: non-coding transcript variant (1).
Genome position (GRCh38, 1-based): chr19:35,904,601, C>T on the plus strand (G>A on the coding strand, the complement: TYROBP is on the minus strand). VCF-style: chr19-35904601-C-T. GRCh37 (hg19) VCF-style: chr19-36395503-C-T.
Other names: c.277G>A, p.Asp93Asn (NM_001173514.2); c.274G>A, p.Asp92Asn (NM_001173515.2); c.307G>A, p.Asp103Asn (NM_198125.3); short protein forms D93N, D103N, D104N, D92N.
Identifiers: ClinVar variation 1429380 (VCV001429380.7), dbSNP rs377005575, ClinGen allele CA9393003.